The following is an entry in ClinVar:

NM_003673.4(TCAP):c.458G>C (p.Arg153Pro)

Gene: TCAP (titin-cap; plus strand). Cytogenetic location: 17q12.
Variant type: single nucleotide variant.
Coding change: c.458G>C on transcript NM_003673.4 (MANE Select); coding-DNA position 458, G replaced by C.
Protein change: p.Arg153Pro; replaces arginine 153 with proline.
Molecular consequence: missense variant.
Genome position (GRCh38, 1-based): chr17:39,666,063, G>C. VCF-style: chr17-39666063-G-C. GRCh37 (hg19) VCF-style: chr17-37822316-G-C.
Other names: short protein forms R153P.
Identifiers: ClinVar variation 3748387 (VCV003748387.2).

ClinVar aggregate classification (germline): Uncertain significance (1 of 4 stars; one submission).

Conditions:
Primary familial hypertrophic cardiomyopathy (HCM). Identifiers: Orphanet 99739, MedGen C0949658, MeSH D024741, MONDO:0024573. Inheritance: Various modes of inheritance.
Hypertrophic cardiomyopathy 25 (CMH25). Also called: CARDIOMYOPATHY, FAMILIAL HYPERTROPHIC, 25. Identifiers: MedGen C4225408, MONDO:0011843, OMIM 607487.

Submission:

Labcorp Genetics (formerly Invitae), Labcorp
Classification: Uncertain significance for Hypertrophic cardiomyopathy 25; Primary familial hypertrophic cardiomyopathy. Last evaluated: 2025-03-10. Review status: criteria provided, single submitter. Criteria: Invitae Variant Classification Sherloc (09022015). Collection method: clinical testing. Allele origin: germline.
Comment: This sequence change replaces arginine, which is basic and polar, with proline, which is neutral and non-polar, at codon 153 of the TCAP protein (p.Arg153Pro). This variant is not present in population databases (gnomAD no frequency). This variant has not been reported in the literature in individuals affected with TCAP-related conditions. An algorithm developed to predict the effect of missense changes on protein structure and function (PolyPhen-2) suggests that this variant is likely to be disruptive. In summary, the available evidence is currently insufficient to determine the role of this variant in disease. Therefore, it has been classified as a Variant of Uncertain Significance.